The following is an entry in ClinVar:

ClinVar aggregate classification (germline): Pathogenic (1 of 4 stars; one submission).

Conditions:
Usher syndrome type 1 (USH1). Also called: RETINITIS PIGMENTOSA AND CONGENITAL DEAFNESS. Identifiers: Orphanet 231169, Orphanet 886, MedGen C1568247, MONDO:0010168, OMIM 276900.

Submission:

Myriad Genetics, Inc.
Classification: Pathogenic for Usher syndrome type 1. Last evaluated: 2025-01-20. Review status: criteria provided, single submitter. Criteria: Myriad Autosomal Dominant, Autosomal Recessive and X-Linked Classification Criteria (2023). Collection method: clinical testing. Allele origin: unknown.
Comment: NM_000260.3(MYO7A):c.4944G>A(W1648*) is expected to be pathogenic in the context of MYO7A-related disorders. This variant is predicted to lead to an abnormal or absent protein product due to the creation of a premature termination codon in MYO7A, a gene where loss-of-function variants are known to be pathogenic. Please note: this variant was assessed in the context of healthy population screening.

NM_000260.4(MYO7A):c.4944G>A (p.Trp1648Ter)

Gene: MYO7A (myosin VIIA; plus strand). Cytogenetic location: 11q13.5.
Variant type: single nucleotide variant.
Coding change: c.4944G>A on transcript NM_000260.4 (MANE Select); coding-DNA position 4944, G replaced by A.
Protein change: p.Trp1648Ter; replaces tryptophan 1648 with a stop codon.
Molecular consequence: nonsense.
Genome position (GRCh38, 1-based): chr11:77,201,539, G>A. VCF-style: chr11-77201539-G-A. GRCh37 (hg19) VCF-style: chr11-76912584-G-A.
Other names: c.4830G>A, p.Trp1610Ter (NM_001127180.2); c.4797G>A, p.Trp1599Ter (NM_001369365.1); short protein forms W1599*, W1610*, W1648*.
Identifiers: ClinVar variation 5015134 (VCV005015134.1).